The following is an entry in ClinVar:

NM_144687.4(NLRP12):c.1207G>C (p.Val403Leu)

Gene: NLRP12 (NLR family pyrin domain containing 12; minus strand). Cytogenetic location: 19q13.42.
Variant type: single nucleotide variant.
Coding change: c.1207G>C on transcript NM_144687.4 (MANE Select); coding-DNA position 1207, G replaced by C.
Protein change: p.Val403Leu; replaces valine 403 with leucine.
Molecular consequence: missense variant.
Genome position (GRCh38, 1-based): chr19:53,810,452, C>G on the plus strand (G>C on the coding strand, the complement: NLRP12 is on the minus strand). VCF-style: chr19-53810452-C-G. GRCh37 (hg19) VCF-style: chr19-54313706-C-G.
Other names: c.1207G>C (NM_144687.2); c.1207G>C, p.Val403Leu (NM_001277126.2, NM_001277129.1); short protein forms V403L.
Identifiers: ClinVar variation 893138 (VCV000893138.14), dbSNP rs765948822, ClinGen allele CA9639498.

ClinVar aggregate classification (germline): Uncertain significance. Review status: criteria provided, multiple submitters, no conflicts (2 of 4 stars). 3 submissions from 3 submitters: Uncertain significance (3). Last evaluated 2024-12-17.

Conditions:
Familial cold autoinflammatory syndrome 2 (FCAS2). Identifiers: Orphanet 247868, MedGen C2673198, MONDO:0012724, OMIM 611762.
Inborn genetic diseases. Identifiers: MedGen C0950123, MeSH D030342.

Allele frequency attached by ClinVar (database versions not stated): TOPMed 0.00002.

Submissions (3):

Ambry Genetics
Classification: Uncertain significance for Inborn genetic diseases. Last evaluated: 2024-12-17. Review status: criteria provided, single submitter. Criteria: Ambry Variant Classification Scheme 2023. Collection method: clinical testing. Allele origin: germline.

Labcorp Genetics (formerly Invitae), Labcorp
Classification: Uncertain significance for Familial cold autoinflammatory syndrome 2. Last evaluated: 2023-10-17. Review status: criteria provided, single submitter. Criteria: Invitae Variant Classification Sherloc (09022015). Collection method: clinical testing. Allele origin: germline.
Comment: This sequence change replaces valine, which is neutral and non-polar, with leucine, which is neutral and non-polar, at codon 403 of the NLRP12 protein (p.Val403Leu). This variant is present in population databases (rs765948822, gnomAD 0.006%). This variant has not been reported in the literature in individuals affected with NLRP12-related conditions. ClinVar contains an entry for this variant (Variation ID: 893138). Advanced modeling of protein sequence and biophysical properties (such as structural, functional, and spatial information, amino acid conservation, physicochemical variation, residue mobility, and thermodynamic stability) performed at Invitae indicates that this missense variant is not expected to disrupt NLRP12 protein function. In summary, the available evidence is currently insufficient to determine the role of this variant in disease. Therefore, it has been classified as a Variant of Uncertain Significance.

Illumina Laboratory Services, Illumina
Classification: Uncertain significance for Familial cold autoinflammatory syndrome 2. Last evaluated: 2018-01-13. Review status: criteria provided, single submitter. Criteria: ICSL Variant Classification Criteria 13 December 2019. Collection method: clinical testing. Allele origin: germline.